The following is an entry in ClinVar:

ClinVar aggregate classification (germline): Uncertain significance (1 of 4 stars; one submission).

Conditions:
Familial adenomatous polyposis 1 (FAP1). Also called: FAMILIAL ADENOMATOUS POLYPOSIS 1, ATTENUATED; POLYPOSIS, ADENOMATOUS INTESTINAL. Identifiers: MedGen C2713442, MONDO:0021056, OMIM 175100. Disease mechanism: loss of function.

Submission:

Labcorp Genetics (formerly Invitae), Labcorp
Classification: Uncertain significance for Familial adenomatous polyposis 1. Last evaluated: 2021-03-10. Review status: criteria provided, single submitter. Criteria: Invitae Variant Classification Sherloc (09022015). Collection method: clinical testing. Allele origin: germline.
Comment: In summary, the available evidence is currently insufficient to determine the role of this variant in disease. Therefore, it has been classified as a Variant of Uncertain Significance. Experimental studies and prediction algorithms are not available or were not evaluated, and the functional significance of this variant is currently unknown. This variant has not been reported in the literature in individuals with APC-related conditions. The frequency data for this variant in the population databases is considered unreliable, as metrics indicate insufficient coverage at this position in the ExAC database. This variant occurs in a non-coding region of the APC gene. It does not change the encoded amino acid sequence of the APC protein.

NM_001127511.3(APC):c.-132_-114dup

Gene: APC (APC regulator of Wnt signaling pathway; plus strand). Cytogenetic location: 5q22.2.
Variant type: Duplication.
Coding change: c.-132_-114dup on transcript NM_001127511.3; 132 bases upstream of the start codon through 114 bases upstream of the start codon, 19 bases duplicated (GGGGGGGACCTGCGGGCTC).
Molecular consequence: 5 prime UTR variant. On other transcripts: non-coding transcript variant (2).
Genome position (GRCh38, 1-based): chr5:112,707,586-112,707,604, GGGGGGGACCTGCGGGCTC duplicated; duplicating any 19 consecutive bases within chr5:112,707,582-112,707,604 gives the same sequence; the c. name uses the placement nearest the transcript's 3' end. VCF-style (leftmost placement, unchanged base first): chr5-112707581-T-TGCTCGGGGGGGACCTGCGG. GRCh37 (hg19) VCF-style: chr5-112043278-T-TGCTCGGGGGGGACCTGCGG.
Other names: c.-315_-297dup (NM_001354895.2, NM_001407447.1, NM_001407452.1 and 3 more transcripts); c.-132_-114dup (NM_001354897.2, NM_001354902.2, NM_001407446.1); c.-82_-64dup (NM_001407448.1, NM_001407450.1, NM_001407457.1 and 1 more transcripts); c.-106_-88dup (NM_001407453.1); c.-1350_-1332dup (NM_001407470.1, NM_001407472.1).
Identifiers: ClinVar variation 1446056 (VCV001446056.7), dbSNP rs2149629515, ClinGen allele CA2573138779.